The following is an entry in ClinVar:

NM_019892.6(INPP5E):c.1034+8G>C

Gene: INPP5E (inositol polyphosphate-5-phosphatase E; minus strand). Cytogenetic location: 9q34.3.
Variant type: single nucleotide variant.
Coding change: c.1034+8G>C on transcript NM_019892.6 (MANE Select); 8 bases into the intron after coding-DNA position 1034, G replaced by C.
Molecular consequence: intron variant.
Genome position (GRCh38, 1-based): chr9:136,434,029, C>G on the plus strand (G>C on the coding strand, the complement: INPP5E is on the minus strand). VCF-style: chr9-136434029-C-G. GRCh37 (hg19) VCF-style: chr9-139328481-C-G.
Other names: c.1034+8G>C (NM_001318502.2).
Identifiers: ClinVar variation 4992143 (VCV004992143.1).

ClinVar aggregate classification (germline): Likely benign (1 of 4 stars; one submission).

Conditions:
INPP5E-related disorder. Also called: INPP5E-related condition.

Submission:

PreventionGenetics, part of Exact Sciences
Classification: Likely benign for INPP5E-related condition. Last evaluated: 2026-09-16. Review status: criteria provided, single submitter. Criteria: ACMG Guidelines, 2015. Collection method: clinical testing. Allele origin: germline.
Comment: This variant is classified as likely benign based on ACMG/AMP sequence variant interpretation guidelines (Richards et al. 2015 PMID: 25741868, with internal and published modifications).